The following is an entry in ClinVar:

NM_001330.5(CTF1):c.102G>A (p.Ala34=)

Gene: CTF1 (cardiotrophin 1; plus strand). Cytogenetic location: 16p11.2.
Variant type: single nucleotide variant.
Coding change: c.102G>A on transcript NM_001330.5 (MANE Select); coding-DNA position 102, G replaced by A.
Protein change: p.Ala34=; no amino-acid change (alanine 34 retained).
Molecular consequence: synonymous variant. On other transcripts: non-coding transcript variant (1).
Genome position (GRCh38, 1-based): chr16:30,899,491, G>A. VCF-style: chr16-30899491-G-A. GRCh37 (hg19) VCF-style: chr16-30910812-G-A.
Other names: c.99G>A, p.Ala33= (NM_001142544.3).
Identifiers: ClinVar variation 179390 (VCV000179390.4), dbSNP rs727504837, ClinGen allele CA184328.

ClinVar aggregate classification (germline): Likely benign (1 of 4 stars; one submission).

Submission:

Laboratory for Molecular Medicine, Mass General Brigham Personalized Medicine
Classification: Likely benign. Last evaluated: 2014-01-02. Review status: criteria provided, single submitter. Criteria: LMM Criteria. Collection method: clinical testing. Allele origin: germline. Observed: 2 variant alleles.
Comment: Ala34Ala in exon 1 of CTF1: This variant is not expected to have clinical signif icance because it does not alter an amino acid residue and is not located within the splice consensus sequence. Ala34Ala in exon 1 of CTF1 (allele frequency = n/a)